The following is an entry in ClinVar:

ClinVar aggregate classification (germline): Pathogenic/Likely pathogenic. Review status: criteria provided, multiple submitters, no conflicts (2 of 4 stars). 2 submissions from 2 submitters: Pathogenic (1); Likely pathogenic (1). Last evaluated 2026-08-06.

Conditions:
Lissencephaly due to TUBA1A mutation (CDCBM16). Also called: Lissencephaly 3; CORTICAL DYSPLASIA, COMPLEX, WITH OTHER BRAIN MALFORMATIONS 16. Identifiers: Orphanet 171680, MedGen C4305153, MONDO:0012703, OMIM 611603.
Paediatric disorders.

Submissions (2):

NHS Central & South Genomic Laboratory Hub
Classification: Pathogenic for Paediatric disorders. Last evaluated: 2026-08-06. Review status: criteria provided, single submitter. Criteria: ACMG Guidelines, 2015. Collection method: clinical testing. Allele origin: germline. Affected: yes.

Institute of Human Genetics, University of Leipzig Medical Center
Classification: Likely pathogenic for Lissencephaly due to TUBA1A mutation. Last evaluated: 2019-10-29. Review status: criteria provided, single submitter. Criteria: ACMG Guidelines, 2015. Collection method: clinical testing. Allele origin: de novo. Affected: yes.
Comment: The variant was identified as de novo (maternity and paternity confirmed)

NM_006009.4(TUBA1A):c.47T>C (p.Ile16Thr)

Gene: TUBA1A (tubulin alpha 1a; minus strand). Cytogenetic location: 12q13.12.
Variant type: single nucleotide variant.
Coding change: c.47T>C on transcript NM_006009.4 (MANE Select); coding-DNA position 47, T replaced by C.
Protein change: p.Ile16Thr; replaces isoleucine 16 with threonine.
Molecular consequence: missense variant. On other transcripts: 5 prime UTR variant (1).
Genome position (GRCh38, 1-based): chr12:49,186,790, A>G on the plus strand (T>C on the coding strand, the complement: TUBA1A is on the minus strand). VCF-style: chr12-49186790-A-G. GRCh37 (hg19) VCF-style: chr12-49580573-A-G.
Other names: c.47T>C, p.Ile16Thr (NM_001270399.2); c.-59T>C (NM_001270400.2); short protein forms I16T.
Identifiers: ClinVar variation 873454 (VCV000873454.2), dbSNP rs1942187200, ClinGen allele CA384646043.